The following is an entry in ClinVar:

NM_017763.6(RNF43):c.970C>T (p.Gln324Ter)

Gene: RNF43 (ring finger protein 43; minus strand). Cytogenetic location: 17q22.
Variant type: single nucleotide variant.
Coding change: c.970C>T on transcript NM_017763.6 (MANE Select); coding-DNA position 970, C replaced by T.
Protein change: p.Gln324Ter; replaces glutamine 324 with a stop codon.
Molecular consequence: nonsense.
Genome position (GRCh38, 1-based): chr17:58,358,806, G>A on the plus strand (C>T on the coding strand, the complement: RNF43 is on the minus strand). VCF-style: chr17-58358806-G-A. GRCh37 (hg19) VCF-style: chr17-56436167-G-A.
Other names: c.970C>T, p.Gln324Ter (NM_001305544.3); c.589C>T, p.Gln197Ter (NM_001305545.2); short protein forms Q197*, Q324*.
Identifiers: ClinVar variation 2190154 (VCV002190154.5), dbSNP rs111856468, ClinGen allele CA400332482.
Genomic context (GRCh38, chr17:58,358,806, plus strand): 5'-GGCGAATGAGGTGGAGTCTTCGACCTGGTTCTTGGTAAGATCGAGAGGGTCCCAGGGACT[G>A]GGAAAATGAATCTCCCTCTGGAAAAAAGAACCAAGAGCACAGATGTTTAACTCTACAAAC-3'

ClinVar aggregate classification (germline): Conflicting classifications of pathogenicity. Review status: criteria provided, conflicting classifications (1 of 4 stars). 2 submissions from 2 submitters: Pathogenic (1); Uncertain significance (1). Last evaluated 2025-12-15.

Conditions:
Sessile serrated polyposis cancer syndrome (SSPCS). Identifiers: Orphanet 157798, MedGen C4310714, MONDO:0014919, OMIM 617108.

Submissions (2):

Myriad Genetics, Inc.
Classification: Pathogenic for Sessile serrated polyposis cancer syndrome. Last evaluated: 2025-12-15. Review status: criteria provided, single submitter. Criteria: Myriad Autosomal Dominant, Autosomal Recessive and X-Linked Classification Criteria (2023). Collection method: clinical testing. Allele origin: unknown.
Comment: This variant is considered pathogenic. This variant creates a termination codon and is predicted to result in premature protein truncation.

Labcorp Genetics (formerly Invitae), Labcorp
Classification: Uncertain significance. Last evaluated: 2025-03-07. Review status: criteria provided, single submitter. Criteria: Invitae Variant Classification Sherloc (09022015). Collection method: clinical testing. Allele origin: germline.
Comment: This sequence change creates a premature translational stop signal (p.Gln324*) in the RNF43 gene. It is expected to result in an absent or disrupted protein product. However, the current clinical and genetic evidence is not sufficient to establish whether loss-of-function variants in RNF43 cause disease. This variant is not present in population databases (gnomAD no frequency). This variant has not been reported in the literature in individuals affected with RNF43-related conditions. ClinVar contains an entry for this variant (Variation ID: 2190154). In summary, the available evidence is currently insufficient to determine the role of this variant in disease. Therefore, it has been classified as a Variant of Uncertain Significance.